The following is an entry in ClinVar:

NM_001382567.1(STIM1):c.239A>C (p.Asn80Thr)

Gene: STIM1 (stromal interaction molecule 1; plus strand). Cytogenetic location: 11p15.4.
Variant type: single nucleotide variant.
Coding change: c.239A>C on transcript NM_001382567.1 (MANE Select); coding-DNA position 239, A replaced by C.
Protein change: p.Asn80Thr; replaces asparagine 80 with threonine.
Molecular consequence: missense variant. On other transcripts: non-coding transcript variant (3), intron variant (4).
Genome position (GRCh38, 1-based): chr11:3,967,651, A>C. VCF-style: chr11-3967651-A-C. GRCh37 (hg19) VCF-style: chr11-3988881-A-C.
Other names: c.239A>C, p.Asn80Thr (NM_001277961.3, NM_001277962.2, NM_001382568.1 and 3 more transcripts); c.17A>C, p.Asn6Thr (NM_001382566.1, NM_001382573.1, NM_001382574.1 and 5 more transcripts); c.-219-56222A>C (NM_001382580.1, NM_001382581.1); c.136-56222A>C (NM_001382569.1); c.-98-56222A>C (NM_001382571.1); short protein forms N80T, N6T.
Identifiers: ClinVar variation 189363 (VCV000189363.11), dbSNP rs748277951, ClinGen allele CA199255.
Genomic context (GRCh38, chr11:3,967,651, plus strand): 5'-ATGAGAAACTCAGCTTCGAGGCAGTCCGTAACATCCACAAACTGATGGACGATGATGCCA[A>C]TGGTGATGTGGATGTGGAAGAAAGTGATGAGGTGAGCTCTCCCATCCTGCTATGTCTCTC-3'
Protein context (NP_001369496.1, residues 70-90): NIHKLMDDDA[Asn80Thr]GDVDVEESDE

ClinVar aggregate classification (germline): Likely pathogenic. Review status: criteria provided, single submitter (1 of 4 stars). 2 submissions from 2 submitters: Likely pathogenic (1). 1 of the submissions does not count toward it. Last evaluated 2019-01-03.

Conditions:
Stormorken syndrome (STRMK). Also called: THROMBOCYTOPATHY, ASPLENIA, AND MIOSIS. Identifiers: Orphanet 3204, MedGen C1861451, MONDO:0008497, OMIM 185070.
Combined immunodeficiency due to STIM1 deficiency. Also called: IMMUNODEFICIENCY 10; STIM1 DEFICIENCY. Identifiers: Orphanet 169090, Orphanet 317430, MedGen C2748557, MONDO:0013008, OMIM 612783.
Myopathy with tubular aggregates (TAM). Also called: Tubular Aggregate Myopathy. Identifiers: Orphanet 2593, MedGen C0410207, MONDO:0008051.
Myopathy, tubular aggregate, 1 (TAM1). Identifiers: MedGen C4011726, MONDO:0024531, OMIM 160565.

Submissions (2):

Labcorp Genetics (formerly Invitae), Labcorp
Classification: Likely pathogenic for Myopathy with tubular aggregates; Combined immunodeficiency due to STIM1 deficiency; Stormorken syndrome. Last evaluated: 2019-01-03. Review status: criteria provided, single submitter. Criteria: Invitae Variant Classification Sherloc (09022015). Collection method: clinical testing. Allele origin: germline.
Comment: This sequence change replaces asparagine with threonine at codon 80 of the STIM1 protein (p.Asn80Thr). The asparagine residue is moderately conserved and there is a small physicochemical difference between asparagine and threonine. This variant is not present in population databases (ExAC no frequency). This variant has been observed in individuals affected with tubular aggregate myopathy (TAM) and was observed to be de novo in one individual (PMID: 25326555). ClinVar contains an entry for this variant (Variation ID: 189363). This variant has been reported to affect STIM1 protein function (PMID: 25326555). In summary, the currently available evidence indicates that the variant is pathogenic, but additional data are needed to prove that conclusively. Therefore, this variant has been classified as Likely Pathogenic.

OMIM
Classification: Pathogenic for MYOPATHY, TUBULAR AGGREGATE, 1. Last evaluated: 2014-12-01. Review status: no assertion criteria provided. Collection method: literature only. Allele origin: germline. Not counted in ClinVar's aggregate classification.

Literature cited by the submitters: PubMed 25326555 (cited by Labcorp Genetics (formerly Invitae), Labcorp and OMIM).